The following is an entry in ClinVar:

ClinVar aggregate classification (germline): Benign. Review status: criteria provided, multiple submitters, no conflicts (2 of 4 stars). 2 submissions from 2 submitters: Benign (2). Last evaluated 2021-02-24.

Allele frequency attached by ClinVar (database versions not stated): gnomAD exomes 0.00357 and 0.00930; ExAC 0.01095; 1000 Genomes Project 0.03295; 1000 Genomes Project 30x 0.03592; gnomAD 0.03701 and 0.03991; TOPMed 0.04183; ESP Exome Variant Server 0.04226.
gnomAD v4.1: 11,060 of 1,614,154 alleles (0.69%); highest among the groups gnomAD compares: African/African-American, 13%; 651 homozygotes.

Submissions (2):

GeneDx
Classification: Benign. Last evaluated: 2021-02-24. Review status: criteria provided, single submitter. Criteria: GeneDx Variant Classification Process June 2021. Collection method: clinical testing. Allele origin: germline. Affected: yes.
Comment: This variant is associated with the following publications: (PMID: 28171541)

Breakthrough Genomics
Classification: Benign. Review status: criteria provided, single submitter. Criteria: ACMG Guidelines, 2015. Collection method: not provided. Allele origin: germline. Inheritance: Unknown mechanism. Affected: yes.

NM_006122.4(MAN2A2):c.72C>T (p.Leu24=)

Genes: MAN2A2 (mannosidase alpha class 2A member 2; plus strand), LOC130057949 (ATAC-STARR-seq lymphoblastoid active region 10101; plus strand). Cytogenetic location: 15q26.1.
Variant type: single nucleotide variant.
Coding change: c.72C>T on transcript NM_006122.4 (MANE Select); coding-DNA position 72, C replaced by T.
Protein change: p.Leu24=; no amino-acid change (leucine 24 retained).
Molecular consequence: synonymous variant. On other transcripts: non-coding transcript variant (3).
Genome position (GRCh38, 1-based): chr15:90,904,279, C>T. VCF-style: chr15-90904279-C-T. GRCh37 (hg19) VCF-style: chr15-91447509-C-T.
Other names: c.72C>T, p.Leu24= (NM_001320977.2).
Identifiers: ClinVar variation 1227165 (VCV001227165.4), dbSNP rs2677743, ClinGen allele CA7741007.